The following is an entry in ClinVar:

NM_144687.4(NLRP12):c.3133A>C (p.Ser1045Arg)

Gene: NLRP12 (NLR family pyrin domain containing 12; minus strand). Cytogenetic location: 19q13.42.
Variant type: single nucleotide variant.
Coding change: c.3133A>C on transcript NM_144687.4 (MANE Select); coding-DNA position 3133, A replaced by C.
Protein change: p.Ser1045Arg; replaces serine 1045 with arginine.
Molecular consequence: missense variant.
Genome position (GRCh38, 1-based): chr19:53,794,102, T>G on the plus strand (A>C on the coding strand, the complement: NLRP12 is on the minus strand). VCF-style: chr19-53794102-T-G. GRCh37 (hg19) VCF-style: chr19-54297356-T-G.
Other names: c.3136A>C, p.Ser1046Arg (NM_001277126.2); c.2962A>C, p.Ser988Arg (NM_001277129.1); short protein forms S1046R, S1045R, S988R.
Identifiers: ClinVar variation 1484781 (VCV001484781.8), dbSNP rs1280682130, ClinGen allele CA407407245.

ClinVar aggregate classification (germline): Uncertain significance (1 of 4 stars; one submission).

Conditions:
Familial cold autoinflammatory syndrome 2 (FCAS2). Identifiers: Orphanet 247868, MedGen C2673198, MONDO:0012724, OMIM 611762.

Allele frequency attached by ClinVar (database versions not stated): gnomAD 0.00001.

Submission:

Labcorp Genetics (formerly Invitae), Labcorp
Classification: Uncertain significance for Familial cold autoinflammatory syndrome 2. Last evaluated: 2024-10-15. Review status: criteria provided, single submitter. Criteria: Invitae Variant Classification Sherloc (09022015). Collection method: clinical testing. Allele origin: germline.
Comment: This sequence change replaces serine, which is neutral and polar, with arginine, which is basic and polar, at codon 1045 of the NLRP12 protein (p.Ser1045Arg). This variant is present in population databases (no rsID available, gnomAD 0.007%). This variant has not been reported in the literature in individuals affected with NLRP12-related conditions. ClinVar contains an entry for this variant (Variation ID: 1484781). An algorithm developed to predict the effect of missense changes on protein structure and function outputs the following: PolyPhen-2: "Benign". The arginine amino acid residue is found in multiple mammalian species, which suggests that this missense change does not adversely affect protein function. In summary, the available evidence is currently insufficient to determine the role of this variant in disease. Therefore, it has been classified as a Variant of Uncertain Significance.